The following is an entry in ClinVar:

ClinVar aggregate classification (germline): Likely benign. Review status: criteria provided, multiple submitters, no conflicts (2 of 4 stars). 3 submissions from 3 submitters: Likely benign (3). Last evaluated 2026-01-21.

Conditions:
COL18A1-related disorder. Also called: COL18A1-related condition; COL18A1-related disorders.

Allele frequency attached by ClinVar (database versions not stated): gnomAD exomes 0.00004 and 0.00008; gnomAD 0.00007 and 0.00009; TOPMed 0.00008; ExAC 0.00010; 1000 Genomes Project 30x 0.00047; 1000 Genomes Project 0.00060.
gnomAD v4.1: 73 of 1,610,754 alleles (0.0045%); highest among the groups gnomAD compares: East Asian, 0.096%; no homozygotes.

Submissions (3):

Labcorp Genetics (formerly Invitae), Labcorp
Classification: Likely benign. Last evaluated: 2026-01-21. Review status: criteria provided, single submitter. Criteria: Invitae Variant Classification Sherloc (09022015). Collection method: clinical testing. Allele origin: germline.

PreventionGenetics, part of Exact Sciences
Classification: Likely benign for COL18A1-related condition. Last evaluated: 2024-10-08. Review status: criteria provided, single submitter. Criteria: ACMG Guidelines, 2015. Collection method: clinical testing. Allele origin: germline.
Comment: This variant is classified as likely benign based on ACMG/AMP sequence variant interpretation guidelines (Richards et al. 2015 PMID: 25741868, with internal and published modifications).

Blueprint Genetics
Classification: Likely benign. Last evaluated: 2023-04-19. Review status: criteria provided, single submitter. Criteria: ACMG Guidelines, 2015. Collection method: clinical testing. Allele origin: germline.

NM_001379500.1(COL18A1):c.1506C>T (p.Pro502=)

Gene: COL18A1 (collagen type XVIII alpha 1 chain; plus strand). Cytogenetic location: 21q22.3.
Variant type: single nucleotide variant.
Coding change: c.1506C>T on transcript NM_001379500.1 (MANE Select); coding-DNA position 1506, C replaced by T.
Protein change: p.Pro502=; no amino-acid change (proline 502 retained).
Molecular consequence: synonymous variant.
Genome position (GRCh38, 1-based): chr21:45,480,753, C>T. VCF-style: chr21-45480753-C-T. GRCh37 (hg19) VCF-style: chr21-46900667-C-T.
Other names: c.2046C>T, p.Pro682= (NM_030582.4); c.2751C>T, p.Pro917= (NM_130444.3); c.2046C>T (NM_030582.3).
Identifiers: ClinVar variation 1540897 (VCV001540897.10), dbSNP rs561350566, ClinGen allele CA10066370.